The following is an entry in ClinVar:

ClinVar aggregate classification (germline): Uncertain significance (1 of 4 stars; one submission).

Conditions:
Jeune thoracic dystrophy. Also called: Infantile thoracic dystrophy; Thoracic pelvic phalangeal dystrophy; Jeune's syndrome; Chondroectodermal dysplasia-like syndrome; Short-rib thoracic dysplasia; Jeune syndrome. Identifiers: Orphanet 474, MedGen C0265275, MONDO:0018770.

Submission:

Labcorp Genetics (formerly Invitae), Labcorp
Classification: Uncertain significance for Jeune thoracic dystrophy. Last evaluated: 2022-07-02. Review status: criteria provided, single submitter. Criteria: Invitae Variant Classification Sherloc (09022015). Collection method: clinical testing. Allele origin: germline.
Comment: This sequence change replaces glutamic acid, which is acidic and polar, with aspartic acid, which is acidic and polar, at codon 3445 of the DYNC2H1 protein (p.Glu3445Asp). This variant is not present in population databases (gnomAD no frequency). This variant has not been reported in the literature in individuals affected with DYNC2H1-related conditions. Advanced modeling of protein sequence and biophysical properties (such as structural, functional, and spatial information, amino acid conservation, physicochemical variation, residue mobility, and thermodynamic stability) performed at Invitae indicates that this missense variant is not expected to disrupt DYNC2H1 protein function. In summary, the available evidence is currently insufficient to determine the role of this variant in disease. Therefore, it has been classified as a Variant of Uncertain Significance.

NM_001377.3(DYNC2H1):c.10314A>T (p.Glu3438Asp)

Gene: DYNC2H1 (dynein cytoplasmic 2 heavy chain 1; plus strand). Cytogenetic location: 11q22.3.
Variant type: single nucleotide variant.
Coding change: c.10314A>T on transcript NM_001377.3 (MANE Select); coding-DNA position 10314, A replaced by T.
Protein change: p.Glu3438Asp; replaces glutamic acid 3438 with aspartic acid.
Molecular consequence: missense variant.
Genome position (GRCh38, 1-based): chr11:103,255,522, A>T. VCF-style: chr11-103255522-A-T. GRCh37 (hg19) VCF-style: chr11-103126251-A-T.
Other names: c.10335A>T, p.Glu3445Asp (NM_001080463.2); short protein forms E3438D, E3445D.
Identifiers: ClinVar variation 2178598 (VCV002178598.4), dbSNP rs369838929, ClinGen allele CA382249401.
Genomic context (GRCh38, chr11:103,255,522, plus strand): 5'-GAAAACAAAACTATTACAACAGGAAGAAGATAAGAAAATACAGCTAGCCAAGCTCGAAGA[A>T]TCTCTTCTAGAGGTAAAAGTCTAGCTATTTAGGTTACTTTTTTCGTATTACTTTTTTTTT-3'
Protein context (NP_001368.2, residues 3428-3448): DKKIQLAKLE[Glu3438Asp]SLLETLATSQ